The following is an entry in ClinVar:

ClinVar aggregate classification (germline): Uncertain significance (1 of 4 stars; one submission).

Conditions:
Hereditary cancer-predisposing syndrome. Also called: Tumor predisposition; Neoplastic Syndromes, Hereditary; Hereditary Cancer Syndrome; Hereditary neoplastic syndrome. Identifiers: Orphanet 140162, MedGen C0027672, MeSH D009386, MONDO:0015356.

Submission:

Ambry Genetics
Classification: Uncertain significance for Hereditary cancer-predisposing syndrome. Last evaluated: 2022-07-13. Review status: criteria provided, single submitter. Criteria: Ambry Variant Classification Scheme 2023. Collection method: clinical testing. Allele origin: germline.
Comment: The p.D1026N variant (also known as c.3076G>A), located in coding exon 4 of the MSH6 gene, results from a G to A substitution at nucleotide position 3076. The aspartic acid at codon 1026 is replaced by asparagine, an amino acid with highly similar properties. This amino acid position is highly conserved in available vertebrate species. In addition, the in silico prediction for this alteration is inconclusive. Since supporting evidence is limited at this time, the clinical significance of this alteration remains unclear.

NM_000179.3(MSH6):c.3076G>A (p.Asp1026Asn)

Gene: MSH6 (mutS homolog 6; plus strand). Cytogenetic location: 2p16.3.
Variant type: single nucleotide variant.
Coding change: c.3076G>A on transcript NM_000179.3 (MANE Select); coding-DNA position 3076, G replaced by A.
Protein change: p.Asp1026Asn; replaces aspartic acid 1026 with asparagine.
Molecular consequence: missense variant.
Genome position (GRCh38, 1-based): chr2:47,801,059, G>A. VCF-style: chr2-47801059-G-A. GRCh37 (hg19) VCF-style: chr2-48028198-G-A.
Other names: c.2686G>A, p.Asp896Asn (NM_001281492.2); c.2170G>A, p.Asp724Asn (NM_001281493.2, NM_001281494.2, NM_001406811.1 and 6 more transcripts); c.3172G>A, p.Asp1058Asn (NM_001406795.1, NM_001406802.1); c.3076G>A, p.Asp1026Asn (NM_001406796.1, NM_001406798.1, NM_001406800.1 and 2 more transcripts); c.2779G>A, p.Asp927Asn (NM_001406797.1, NM_001406801.1, NM_001406805.1 and 10 more transcripts); c.2551G>A, p.Asp851Asn (NM_001406799.1, NM_001406806.1, NM_001406807.1); c.2998G>A, p.Asp1000Asn (NM_001406804.1); c.3082G>A, p.Asp1028Asn (NM_001406813.1); and 2 more; short protein forms D1058N, D724N, D1026N, D1028N, D341N, D927N, D1000N, D851N.
Identifiers: ClinVar variation 1727314 (VCV001727314.2), dbSNP rs267608054, ClinGen allele CA346756553.
Genomic context (GRCh38, chr2:47,801,059, plus strand): 5'-TACTGGACCAAAACTATTGAAAAGAAGTTGGCTAATCTCATAAATGCTGAAGAACGGAGG[G>A]ATGTATCATTGAAGGACTGCATGCGGCGACTGTTCTATAACTTTGATAAAAATTACAAGG-3'
Protein context (NP_000170.1, residues 1016-1036): ANLINAEERR[Asp1026Asn]VSLKDCMRRL